The following is an entry in ClinVar:

ClinVar aggregate classification (germline): Uncertain significance (1 of 4 stars; one submission).

Submission:

Labcorp Genetics (formerly Invitae), Labcorp
Classification: Uncertain significance. Last evaluated: 2021-07-20. Review status: criteria provided, single submitter. Criteria: Invitae Variant Classification Sherloc (09022015). Collection method: clinical testing. Allele origin: germline.
Comment: In summary, the available evidence is currently insufficient to determine the role of this variant in disease. Therefore, it has been classified as a Variant of Uncertain Significance. Algorithms developed to predict the effect of missense changes on protein structure and function are either unavailable or do not agree on the potential impact of this missense change (SIFT: "Deleterious"; PolyPhen-2: "Benign"; Align-GVGD: "Class C65"). This variant has not been reported in the literature in individuals with VCAN-related conditions. This variant is not present in population databases (ExAC no frequency). This sequence change replaces aspartic acid with glycine at codon 3122 of the VCAN protein (p.Asp3122Gly). The aspartic acid residue is highly conserved and there is a moderate physicochemical difference between aspartic acid and glycine.

NM_004385.5(VCAN):c.9365A>G (p.Asp3122Gly)

Genes: VCAN (versican; plus strand), VCAN-AS1 (VCAN antisense RNA 1; minus strand). Cytogenetic location: 5q14.3.
Variant type: single nucleotide variant.
Coding change: c.9365A>G on transcript NM_004385.5 (MANE Select); coding-DNA position 9365, A replaced by G.
Protein change: p.Asp3122Gly; replaces aspartic acid 3122 with glycine.
Molecular consequence: missense variant.
Genome position (GRCh38, 1-based): chr5:83,545,636, A>G. VCF-style: chr5-83545636-A-G. GRCh37 (hg19) VCF-style: chr5-82841455-A-G.
Other names: c.1142A>G, p.Asp381Gly (NM_001126336.3); c.6404A>G, p.Asp2135Gly (NM_001164097.2); c.4103A>G, p.Asp1368Gly (NM_001164098.2); short protein forms D1368G, D2135G, D3122G, D381G.
Identifiers: ClinVar variation 1495738 (VCV001495738.8), dbSNP rs2112457155, ClinGen allele CA360296602.